The following is an entry in ClinVar:

NM_001005242.3(PKP2):c.-32A>C

Gene: PKP2 (plakophilin 2; minus strand). Cytogenetic location: 12p11.21.
Variant type: single nucleotide variant.
Coding change: c.-32A>C on transcript NM_001005242.3 (MANE Select); 32 bases upstream of the start codon, A replaced by C.
Molecular consequence: 5 prime UTR variant.
Genome position (GRCh38, 1-based): chr12:32,896,763, T>G on the plus strand (A>C on the coding strand, the complement: PKP2 is on the minus strand). VCF-style: chr12-32896763-T-G. GRCh37 (hg19) VCF-style: chr12-33049697-T-G.
Other names: c.-32A>C (NM_004572.4).
Identifiers: ClinVar variation 516500 (VCV000516500.1), dbSNP rs758069762, ClinGen allele CA051057.

ClinVar aggregate classification (germline): Likely benign (1 of 4 stars; one submission).

Allele frequency attached by ClinVar (database versions not stated): ExAC below 0.00001; TOPMed 0.00003; gnomAD 0.00004 and 0.00005; 1000 Genomes Project 30x 0.00016.
gnomAD v4.1: 29 of 1,225,822 alleles (0.0024%); highest among the groups gnomAD compares: Non-Finnish European, 0.0028%; no homozygotes.

Submission:

GeneDx
Classification: Likely benign. Last evaluated: 2017-11-08. Review status: criteria provided, single submitter. Criteria: GeneDx Variant Classification (06012015). Collection method: clinical testing. Allele origin: germline. Affected: yes.
Comment: This variant is considered likely benign or benign based on one or more of the following criteria: it is a conservative change, it occurs at a poorly conserved position in the protein, it is predicted to be benign by multiple in silico algorithms, and/or has population frequency not consistent with disease.